The following is an entry in ClinVar:

ClinVar aggregate classification (germline): Uncertain significance (1 of 4 stars; one submission).

Conditions:
RYR1-related disorder. Also called: RYR1-related condition; RYR1-related disorders. Identifiers: MedGen CN239331.

Allele frequency attached by ClinVar (database versions not stated): gnomAD exomes below 0.00001.
gnomAD v4.1: 1 of 1,613,192 alleles (0.000062%); highest among the groups gnomAD compares: Non-Finnish European, 0.000085%; no homozygotes.

Submission:

Labcorp Genetics (formerly Invitae), Labcorp
Classification: Uncertain significance for RYR1-related disorder. Last evaluated: 2022-02-19. Review status: criteria provided, single submitter. Criteria: Invitae Variant Classification Sherloc (09022015). Collection method: clinical testing. Allele origin: germline.
Comment: This variant has not been reported in the literature in individuals affected with RYR1-related conditions. In summary, the available evidence is currently insufficient to determine the role of this variant in disease. Therefore, it has been classified as a Variant of Uncertain Significance. Advanced modeling of protein sequence and biophysical properties (such as structural, functional, and spatial information, amino acid conservation, physicochemical variation, residue mobility, and thermodynamic stability) performed at Invitae indicates that this missense variant is not expected to disrupt RYR1 protein function. This variant is not present in population databases (gnomAD no frequency). This sequence change replaces arginine, which is basic and polar, with histidine, which is basic and polar, at codon 2965 of the RYR1 protein (p.Arg2965His).

NM_000540.3(RYR1):c.8894G>A (p.Arg2965His)

Gene: RYR1 (ryanodine receptor 1; plus strand). Cytogenetic location: 19q13.2.
Variant type: single nucleotide variant.
Coding change: c.8894G>A on transcript NM_000540.3 (MANE Select); coding-DNA position 8894, G replaced by A.
Protein change: p.Arg2965His; replaces arginine 2965 with histidine.
Molecular consequence: missense variant.
Genome position (GRCh38, 1-based): chr19:38,507,789, G>A. VCF-style: chr19-38507789-G-A. GRCh37 (hg19) VCF-style: chr19-38998429-G-A.
Other names: c.8894G>A, p.Arg2965His (NM_001042723.2); short protein forms R2965H.
Identifiers: ClinVar variation 1522558 (VCV001522558.6), dbSNP rs2145643659, ClinGen allele CA405682109.